The following is an entry in ClinVar:

ClinVar aggregate classification (germline): Pathogenic. Review status: reviewed by expert panel (3 of 4 stars). 6 submissions from 6 submitters: Pathogenic (1). 5 of the submissions do not count toward it. Last evaluated 2016-10-18.

Conditions:
Hereditary cancer-predisposing syndrome. Also called: Hereditary Cancer Syndrome; Neoplastic Syndromes, Hereditary; Hereditary neoplastic syndrome; Tumor predisposition. Identifiers: Orphanet 140162, MedGen C0027672, MeSH D009386, MONDO:0015356.
Hereditary breast ovarian cancer syndrome. Also called: Hereditary breast and ovarian cancer syndrome (HBOC); Breast and ovarian cancer; Hereditary breast and ovarian cancer syndrome; Hereditary breast and ovarian cancer; BRCA1- and BRCA2-Associated Hereditary Breast and Ovarian Cancer; Hereditary breast and/or ovarian cancer syndrome. Identifiers: Orphanet 145, MedGen C0677776, MeSH D061325, MONDO:0003582. Disease mechanism: loss of function.
Breast-ovarian cancer, familial, susceptibility to, 1 (BROVCA1). Also called: BRCA1 Hereditary Breast and Ovarian Cancer; OVARIAN CANCER, SUSCEPTIBILITY TO. Identifiers: Orphanet 145, MedGen C2676676, MONDO:0011450, OMIM 604370. Disease mechanism: loss of function.

Submissions (6):

Evidence-based Network for the Interpretation of Germline Mutant Alleles (ENIGMA)
Classification: Pathogenic for Breast-ovarian cancer, familial, susceptibility to, 1. Last evaluated: 2016-10-18. Review status: reviewed by expert panel. Criteria: ENIGMA BRCA1/2 Classification Criteria (2015). Collection method: curation. Allele origin: germline.
Comment: Variant allele predicted to encode a truncated non-functional protein.

Ambry Genetics
Classification: Pathogenic for Hereditary cancer-predisposing syndrome. Last evaluated: 2025-02-03. Review status: criteria provided, single submitter. Criteria: Ambry Variant Classification Scheme 2023. Collection method: clinical testing. Allele origin: germline. Not counted in ClinVar's aggregate classification.
Comment: The p.Q240* pathogenic mutation (also known as c.718C>T), located in coding exon 9 of the BRCA1 gene, results from a C to T substitution at nucleotide position 718. This changes the amino acid from a glutamine to a stop codon within coding exon 9. This alteration was identified in a large, worldwide study of BRCA1/2 mutation positive families (Rebbeck TR et al. Hum Mutat, 2018 05;39:593-620). This variant is considered to be rare based on population cohorts in the Genome Aggregation Database (gnomAD). In addition to the clinical data presented in the literature, this alteration is expected to result in loss of function by premature protein truncation or nonsense-mediated mRNA decay. As such, this alteration is interpreted as a disease-causing mutation.

Labcorp Genetics (formerly Invitae), Labcorp
Classification: Pathogenic for Hereditary breast ovarian cancer syndrome. Last evaluated: 2024-06-26. Review status: criteria provided, single submitter. Criteria: Invitae Variant Classification Sherloc (09022015). Collection method: clinical testing. Allele origin: germline. Not counted in ClinVar's aggregate classification.
Comment: This sequence change creates a premature translational stop signal (p.Gln240*) in the BRCA1 gene. It is expected to result in an absent or disrupted protein product. Loss-of-function variants in BRCA1 are known to be pathogenic (PMID: 20104584). This variant is not present in population databases (gnomAD no frequency). This premature translational stop signal has been observed in individual(s) with hereditary breast and ovarian cancer (PMID: 29446198, 29907814). ClinVar contains an entry for this variant (Variation ID: 266573). Studies have shown that this premature translational stop signal is associated with inconclusive levels of altered splicing (Invitae). For these reasons, this variant has been classified as Pathogenic.

Mendelics
Classification: Pathogenic for Breast-ovarian cancer, familial, susceptibility to, 1. Last evaluated: 2019-05-28. Review status: criteria provided, single submitter. Criteria: Mendelics Assertion Criteria 2017. Collection method: clinical testing. Allele origin: unknown. Not counted in ClinVar's aggregate classification.

Consortium of Investigators of Modifiers of BRCA1/2 (CIMBA), c/o University of Cambridge
Classification: Pathogenic for Breast-ovarian cancer, familial, susceptibility to, 1. Last evaluated: 2015-10-02. Review status: criteria provided, single submitter. Criteria: CIMBA Mutation Classification guidelines May 2016. Collection method: clinical testing. Allele origin: germline. Not counted in ClinVar's aggregate classification.

Research Molecular Genetics Laboratory, Women's College Hospital, University of Toronto
Classification: Pathogenic for Hereditary breast ovarian cancer syndrome. Last evaluated: 2014-01-31. Review status: no assertion criteria provided. Collection method: research. Allele origin: germline. Affected: yes. Study: The Canadian Open Genetics Repository (COGR). Not counted in ClinVar's aggregate classification.

Literature cited by the submitters: PubMed 29446198 (cited by Ambry Genetics and Labcorp Genetics (formerly Invitae), Labcorp); PubMed 20104584 (cited by Labcorp Genetics (formerly Invitae), Labcorp); PubMed 29907814 (cited by Labcorp Genetics (formerly Invitae), Labcorp).

NM_007294.4(BRCA1):c.718C>T (p.Gln240Ter)

Gene: BRCA1 (BRCA1 DNA repair associated; minus strand). Cytogenetic location: 17q21.31.
Variant type: single nucleotide variant.
Coding change: c.718C>T on transcript NM_007294.4 (MANE Select); coding-DNA position 718, C replaced by T.
Protein change: p.Gln240Ter; replaces glutamine 240 with a stop codon.
Molecular consequence: nonsense. On other transcripts: non-coding transcript variant (1).
Genome position (GRCh38, 1-based): chr17:43,094,813, G>A on the plus strand (C>T on the coding strand, the complement: BRCA1 is on the minus strand). VCF-style: chr17-43094813-G-A. GRCh37 (hg19) VCF-style: chr17-41246830-G-A.
Other names: 837C>T (Q240X); c.505C>T, p.Gln169Ter (NM_001407571.1, NM_001407853.1, NM_001407894.1 and 12 more transcripts); c.718C>T, p.Gln240Ter (NM_001407581.1, NM_001407582.1, NM_001407583.1 and 54 more transcripts); c.715C>T, p.Gln239Ter (NM_001407587.1, NM_001407590.1, NM_001407591.1 and 38 more transcripts); c.709C>T, p.Gln237Ter (NM_001407646.1, NM_001407647.1, NM_001408408.1); c.595C>T, p.Gln199Ter (NM_001407648.1, NM_001407664.1, NM_001407665.1 and 34 more transcripts); c.592C>T, p.Gln198Ter (NM_001407649.1, NM_001407670.1, NM_001407671.1 and 20 more transcripts); c.640C>T, p.Gln214Ter (NM_001407653.1, NM_001407654.1, NM_001407655.1 and 9 more transcripts); and 15 more; short protein forms Q240*, Q193*, Q151*, Q169*, Q192*, Q237*, Q239*, Q172*.
Identifiers: ClinVar variation 266573 (VCV000266573.19), dbSNP rs886040313, ClinGen allele CA10589999.
Genomic context (GRCh38, chr17:43,094,813, plus strand): 5'-TTTCTGGATGCCTCTCAGCTGCACGCTTCTCAGTGGTGTTCAAATCATTATTACTGGGTT[G>A]ATGATGTTCAGTATTTGTTACATCCGTCTCAGAAAATTCACAAGCAGCTGAAAATATACA-3'